The following is an entry in ClinVar:

NM_002016.2(FLG):c.4950C>T (p.Ser1650=)

Genes: CCDST (cervical cancer associated DHX9 suppressive transcript; plus strand), FLG (filaggrin; minus strand). Cytogenetic location: 1q21.3.
Variant type: single nucleotide variant.
Coding change: c.4950C>T on transcript NM_002016.2 (MANE Select); coding-DNA position 4950, C replaced by T.
Protein change: p.Ser1650=; no amino-acid change (serine 1650 retained).
Molecular consequence: synonymous variant.
Genome position (GRCh38, 1-based): chr1:152,309,936, G>A on the plus strand (C>T on the coding strand, the complement: FLG is on the minus strand). VCF-style: chr1-152309936-G-A. GRCh37 (hg19) VCF-style: chr1-152282412-G-A.
Identifiers: ClinVar variation 2582861 (VCV002582861.25), dbSNP rs151252691, ClinGen allele CA1105985.

ClinVar aggregate classification (germline): Likely benign (1 of 4 stars; one submission).

Allele frequency attached by ClinVar (database versions not stated): ESP Exome Variant Server 0.00008; TOPMed 0.00009; gnomAD 0.00011; 1000 Genomes Project 30x 0.00016; ExAC 0.00016; gnomAD exomes 0.00018; 1000 Genomes Project 0.00020.
gnomAD v4.1: 276 of 1,614,130 alleles (0.017%); highest among the groups gnomAD compares: South Asian, 0.031%; no homozygotes.

Submission:

CeGaT Center for Human Genetics Tuebingen
Classification: Likely benign. Last evaluated: 2023-09-01. Review status: criteria provided, single submitter. Criteria: CeGaT Center For Human Genetics Tuebingen Variant Classification Criteria Version 2. Collection method: clinical testing. Allele origin: germline. Affected: yes. Observed: 1 variant allele.
Comment: FLG: BP4, BP7